The following is an entry in ClinVar:

ClinVar aggregate classification (germline): Uncertain significance. Review status: criteria provided, multiple submitters, no conflicts (2 of 4 stars). 3 submissions from 3 submitters: Uncertain significance (3). Last evaluated 2024-03-04.

Conditions:
Hereditary cancer-predisposing syndrome. Also called: Hereditary Cancer Syndrome; Neoplastic Syndromes, Hereditary; Hereditary neoplastic syndrome; Tumor predisposition. Identifiers: Orphanet 140162, MedGen C0027672, MeSH D009386, MONDO:0015356.
Gorlin syndrome. Also called: Nevoid Basal Cell Carcinoma Syndrome; Basal cell nevus syndrome. Identifiers: Orphanet 377, MedGen C0004779, MONDO:0007187.

gnomAD v4.1: 1 of 1,550,398 alleles (0.000064%); no homozygotes.

Submissions (3):

Blueprint Genetics
Classification: Uncertain significance. Last evaluated: 2024-03-04. Review status: criteria provided, single submitter. Criteria: ACMG Guidelines, 2015. Collection method: clinical testing. Allele origin: germline.

Labcorp Genetics (formerly Invitae), Labcorp
Classification: Uncertain significance for Gorlin syndrome. Last evaluated: 2022-07-11. Review status: criteria provided, single submitter. Criteria: Invitae Variant Classification Sherloc (09022015). Collection method: clinical testing. Allele origin: germline.
Comment: In summary, the available evidence is currently insufficient to determine the role of this variant in disease. Therefore, it has been classified as a Variant of Uncertain Significance. Advanced modeling of protein sequence and biophysical properties (such as structural, functional, and spatial information, amino acid conservation, physicochemical variation, residue mobility, and thermodynamic stability) performed at Invitae indicates that this missense variant is not expected to disrupt PTCH1 protein function. ClinVar contains an entry for this variant (Variation ID: 838533). This variant has not been reported in the literature in individuals affected with PTCH1-related conditions. This variant is not present in population databases (gnomAD no frequency). This sequence change replaces proline, which is neutral and non-polar, with leucine, which is neutral and non-polar, at codon 1186 of the PTCH1 protein (p.Pro1186Leu).

Ambry Genetics
Classification: Uncertain significance for Hereditary cancer-predisposing syndrome. Last evaluated: 2021-12-30. Review status: criteria provided, single submitter. Criteria: Ambry Variant Classification Scheme 2023. Collection method: clinical testing. Allele origin: germline.
Comment: The p.P1186L variant (also known as c.3557C>T), located in coding exon 22 of the PTCH1 gene, results from a C to T substitution at nucleotide position 3557. The proline at codon 1186 is replaced by leucine, an amino acid with similar properties. This amino acid position is highly conserved in available vertebrate species. In addition, this alteration is predicted to be deleterious by in silico analysis. Since supporting evidence is limited at this time, the clinical significance of this alteration remains unclear.

NM_000264.5(PTCH1):c.3557C>T (p.Pro1186Leu)

Gene: PTCH1 (patched 1; minus strand). Cytogenetic location: 9q22.32.
Variant type: single nucleotide variant.
Coding change: c.3557C>T on transcript NM_000264.5 (MANE Select); coding-DNA position 3557, C replaced by T.
Protein change: p.Pro1186Leu; replaces proline 1186 with leucine.
Molecular consequence: missense variant. On other transcripts: non-coding transcript variant (1).
Genome position (GRCh38, 1-based): chr9:95,449,316, G>A on the plus strand (C>T on the coding strand, the complement: PTCH1 is on the minus strand). VCF-style: chr9-95449316-G-A. GRCh37 (hg19) VCF-style: chr9-98211598-G-A.
Other names: c.3359C>T, p.Pro1120Leu (NM_001083602.3); c.3554C>T, p.Pro1185Leu (NM_001083603.3); c.3104C>T, p.Pro1035Leu (NM_001083604.3, NM_001083605.3, NM_001083606.3 and 1 more transcripts); c.3401C>T, p.Pro1134Leu (NM_001354918.2); short protein forms P1035L, P1134L, P1186L, P1120L, P1185L.
Identifiers: ClinVar variation 838533 (VCV000838533.13), dbSNP rs1838242467, ClinGen allele CA374111402.
Genomic context (GRCh38, chr9:95,449,316, plus strand): 5'-CGGACCACGCTGGGGGGTGGCTCAGGGGAGGGTGTGGGCAGGCGGTTCAAGCCGTTGGCT[G>A]GAGACACCTATTTAAGGGGATTCCATGTTAAAAGTGTTCTTGTCCATTTACCTGCTGGCC-3'
Protein context (NP_000255.2, residues 1176-1196): SFFGPYPEVS[Pro1186Leu]ANGLNRLPTP